The following is an entry in ClinVar:

ClinVar aggregate classification (germline): Uncertain significance. Review status: criteria provided, multiple submitters, no conflicts (2 of 4 stars). 2 submissions from 2 submitters: Uncertain significance (2). Last evaluated 2024-09-15.

Submissions (2):

Ambry Genetics
Classification: Uncertain significance. Last evaluated: 2024-09-15. Review status: criteria provided, single submitter. Criteria: Ambry Variant Classification Scheme 2023. Collection method: clinical testing. Allele origin: germline.
Comment: The p.V11M variant (also known as c.31G>A), located in coding exon 2 of the RPS20 gene, results from a G to A substitution at nucleotide position 31. The valine at codon 11 is replaced by methionine, an amino acid with highly similar properties. This amino acid position is conserved. In addition, the in silico prediction for this alteration is inconclusive. Since supporting evidence is limited at this time, the clinical significance of this alteration remains unclear.

Labcorp Genetics (formerly Invitae), Labcorp
Classification: Uncertain significance. Last evaluated: 2020-12-13. Review status: criteria provided, single submitter. Criteria: Invitae Variant Classification Sherloc (09022015). Collection method: clinical testing. Allele origin: germline.
Comment: This variant has not been reported in the literature in individuals with RPS20-related conditions. This variant is not present in population databases (ExAC no frequency). Algorithms developed to predict the effect of missense changes on protein structure and function are either unavailable or do not agree on the potential impact of this missense change (SIFT: "Deleterious"; PolyPhen-2: "Benign"; Align-GVGD: "Class C0"). This sequence change replaces valine with methionine at codon 11 of the RPS20 protein (p.Val11Met). The valine residue is highly conserved and there is a small physicochemical difference between valine and methionine. In summary, the available evidence is currently insufficient to determine the role of this variant in disease. Therefore, it has been classified as a Variant of Uncertain Significance.

NM_001023.4(RPS20):c.31G>A (p.Val11Met)

Gene: RPS20 (ribosomal protein S20; minus strand). Cytogenetic location: 8q12.1.
Variant type: single nucleotide variant.
Coding change: c.31G>A on transcript NM_001023.4 (MANE Select); coding-DNA position 31, G replaced by A.
Protein change: p.Val11Met; replaces valine 11 with methionine.
Molecular consequence: missense variant.
Genome position (GRCh38, 1-based): chr8:56,074,132, C>T on the plus strand (G>A on the coding strand, the complement: RPS20 is on the minus strand). VCF-style: chr8-56074132-C-T. GRCh37 (hg19) VCF-style: chr8-56986691-C-T.
Other names: c.31G>A, p.Val11Met (NM_001146227.3); short protein forms V11M.
Identifiers: ClinVar variation 1411248 (VCV001411248.11), dbSNP rs1585724462, ClinGen allele CA371284042.